The following is an entry in ClinVar:

ClinVar aggregate classification (germline): Likely benign. Review status: criteria provided, multiple submitters, no conflicts (2 of 4 stars). 3 submissions from 3 submitters: Likely benign (2). 1 of the submissions does not count toward it. Last evaluated 2026-01-27.

Conditions:
Idiopathic Pulmonary Fibrosis. Also called: Idiopathic fibrosing alveolitis, chronic form; idiopathic fibrosing alveolitis. Identifiers: Orphanet 2032, MedGen C1800706, MeSH D054990, MONDO:0800504.
Dyskeratosis congenita, autosomal dominant 2. Identifiers: MedGen C3151443, MONDO:0013521, OMIM 613989.
TERT-related disorder. Also called: TERT-related disorders; TERT-related condition.
Dyskeratosis congenita. Identifiers: Orphanet 1775, MedGen C0265965, MONDO:0015780.

Allele frequency attached by ClinVar (database versions not stated): gnomAD 0.00001; TOPMed 0.00001; gnomAD exomes 0.00004; ExAC 0.00006.
gnomAD v4.1: 98 of 1,583,410 alleles (0.0062%); highest among the groups gnomAD compares: Non-Finnish European, 0.0075%; no homozygotes.

Submissions (3):

Labcorp Genetics (formerly Invitae), Labcorp
Classification: Likely benign for Dyskeratosis congenita, autosomal dominant 2; Idiopathic Pulmonary Fibrosis. Last evaluated: 2026-01-27. Review status: criteria provided, single submitter. Criteria: Invitae Variant Classification Sherloc (09022015). Collection method: clinical testing. Allele origin: germline.

Ambry Genetics
Classification: Likely benign for Dyskeratosis congenita. Last evaluated: 2022-02-27. Review status: criteria provided, single submitter. Criteria: Ambry Variant Classification Scheme 2023. Collection method: clinical testing. Allele origin: germline.

PreventionGenetics, part of Exact Sciences
Classification: Likely benign for TERT-related condition. Last evaluated: 2022-09-29. Review status: no assertion criteria provided. Collection method: clinical testing. Allele origin: germline. Not counted in ClinVar's aggregate classification.
Comment: This variant is classified as likely benign based on ACMG/AMP sequence variant interpretation guidelines (Richards et al. 2015 PMID: 25741868, with internal and published modifications).

NM_198253.3(TERT):c.492C>T (p.Pro164=)

Gene: TERT (telomerase reverse transcriptase; minus strand). Cytogenetic location: 5p15.33.
Variant type: single nucleotide variant.
Coding change: c.492C>T on transcript NM_198253.3 (MANE Select); coding-DNA position 492, C replaced by T.
Protein change: p.Pro164=; no amino-acid change (proline 164 retained).
Molecular consequence: synonymous variant. On other transcripts: non-coding transcript variant (2).
Genome position (GRCh38, 1-based): chr5:1,294,394, G>A on the plus strand (C>T on the coding strand, the complement: TERT is on the minus strand). VCF-style: chr5-1294394-G-A. GRCh37 (hg19) VCF-style: chr5-1294509-G-A.
Other names: c.492C>T, p.Pro164= (NM_001193376.3).
Identifiers: ClinVar variation 471893 (VCV000471893.16), dbSNP rs751568040, ClinGen allele CA3184968.
Genomic context (GRCh38, chr5:1,294,394, plus strand): 5'-GGCCTGAGTGGCAGCGCCGAGCTGGTACAGCGGCGGCCCGCACACCTGGTAGGCGCAGCT[G>A]GGAGCCACCAGCACAAAGAGCGCGCAGCGTGCCAGCAGGTGAACCAGCACGTCGTCGCCC-3'
Protein context (NP_937983.2, residues 154-174): ARCALFVLVA[Pro164=]SCAYQVCGPP